The following is an entry in ClinVar:

NM_000551.4(VHL):c.85G>T (p.Gly29Cys)

Gene: VHL (von Hippel-Lindau tumor suppressor; plus strand). Cytogenetic location: 3p25.3.
Variant type: single nucleotide variant.
Coding change: c.85G>T on transcript NM_000551.4 (MANE Select); coding-DNA position 85, G replaced by T.
Protein change: p.Gly29Cys; replaces glycine 29 with cysteine.
Molecular consequence: missense variant.
Genome position (GRCh38, 1-based): chr3:10,141,932, G>T. VCF-style: chr3-10141932-G-T. GRCh37 (hg19) VCF-style: chr3-10183616-G-T.
Other names: c.85G>T, p.Gly29Cys (NM_001354723.2, NM_198156.3); short protein forms G29C.
Identifiers: ClinVar variation 2070014 (VCV002070014.7), dbSNP rs1277221408, ClinGen allele CA351747534.

ClinVar aggregate classification (germline): Uncertain significance. Review status: criteria provided, multiple submitters, no conflicts (2 of 4 stars). 5 submissions from 5 submitters: Uncertain significance (5). Last evaluated 2026-01-18.

Conditions:
Von Hippel-Lindau syndrome (VHLS). Also called: von Hippel–Lindau syndrome; VHL syndrome; Von Hippel-Lindau. Identifiers: Orphanet 892, MedGen C0019562, MONDO:0008667, OMIM 193300. Disease mechanism: loss of function.
Chuvash polycythemia. Also called: POLYCYTHEMIA, VHL-DEPENDENT. Identifiers: Orphanet 238557, MedGen C1837915, MONDO:0009892, OMIM 263400.
Hereditary cancer-predisposing syndrome. Also called: Tumor predisposition; Hereditary Cancer Syndrome; Hereditary neoplastic syndrome; Neoplastic Syndromes, Hereditary. Identifiers: Orphanet 140162, MedGen C0027672, MeSH D009386, MONDO:0015356.

Allele frequency attached by ClinVar (database versions not stated): TOPMed below 0.00001.
gnomAD v4.1: 3 of 1,540,064 alleles (0.00019%); highest among the groups gnomAD compares: Non-Finnish European, 0.00026%; no homozygotes.

Submissions (5):

Labcorp Genetics (formerly Invitae), Labcorp
Classification: Uncertain significance for Von Hippel-Lindau syndrome; Chuvash polycythemia. Last evaluated: 2026-01-18. Review status: criteria provided, single submitter. Criteria: Invitae Variant Classification Sherloc (09022015). Collection method: clinical testing. Allele origin: germline.
Comment: This sequence change replaces glycine, which is neutral and non-polar, with cysteine, which is neutral and slightly polar, at codon 29 of the VHL protein (p.Gly29Cys). This variant is not present in population databases (gnomAD no frequency). This variant has not been reported in the literature in individuals affected with VHL-related conditions. ClinVar contains an entry for this variant (Variation ID: 2070014). Invitae Evidence Modeling of protein sequence and biophysical properties (such as structural, functional, and spatial information, amino acid conservation, physicochemical variation, residue mobility, and thermodynamic stability) indicates that this missense variant is not expected to disrupt VHL protein function with a negative predictive value of 95%. In summary, the available evidence is currently insufficient to determine the role of this variant in disease. Therefore, it has been classified as a Variant of Uncertain Significance.

Color Diagnostics, LLC DBA Color Health
Classification: Uncertain significance for Von Hippel-Lindau syndrome. Last evaluated: 2025-07-05. Review status: criteria provided, single submitter. Criteria: ACMG Guidelines, 2015. Collection method: clinical testing. Allele origin: germline.
Comment: This missense variant replaces glycine with cysteine at codon 29 of the VHL protein. Computational prediction suggests that this variant may not impact protein structure and function. To our knowledge, functional studies have not been reported for this variant. This variant has not been reported in individuals affected with VHL-related disorders in the literature. This variant has not been identified in the general population by the Genome Aggregation Database (gnomAD). The available evidence is insufficient to determine the role of this variant in disease conclusively. Therefore, this variant is classified as a Variant of Uncertain Significance.

Baylor Genetics
Classification: Uncertain significance for Chuvash polycythemia. Last evaluated: 2024-02-07. Review status: criteria provided, single submitter. Criteria: ACMG Guidelines, 2015. Collection method: clinical testing. Allele origin: unknown.

Ambry Genetics
Classification: Uncertain significance for Hereditary cancer-predisposing syndrome. Last evaluated: 2024-01-03. Review status: criteria provided, single submitter. Criteria: Ambry Variant Classification Scheme 2023. Collection method: clinical testing. Allele origin: germline.
Comment: The p.G29C variant (also known as c.85G>T), located in coding exon 1 of the VHL gene, results from a G to T substitution at nucleotide position 85. The glycine at codon 29 is replaced by cysteine, an amino acid with highly dissimilar properties. This amino acid position is not well conserved in available vertebrate species. In addition, this alteration is predicted to be tolerated by in silico analysis. Since supporting evidence is limited at this time, the clinical significance of this alteration remains unclear.

GeneDx
Classification: Uncertain significance. Last evaluated: 2023-05-18. Review status: criteria provided, single submitter. Criteria: GeneDx Variant Classification Process June 2021. Collection method: clinical testing. Allele origin: germline. Affected: yes.
Comment: Not observed at significant frequency in large population cohorts (gnomAD); In silico analysis supports that this missense variant does not alter protein structure/function; Has not been previously published as pathogenic or benign to our knowledge